The following is an entry in ClinVar:

ClinVar aggregate classification (germline): Pathogenic (1 of 4 stars; one submission).

Conditions:
Saldino-Mainzer syndrome (SRTD9). Also called: Renal dysplasia, retinal pigmentary dystrophy, cerebellar ataxia and skeletal dysplasia; CONORENAL SYNDROME; short-rib thoracic dysplasia 9 with or without polydactyly; SHORT-RIB THORACIC DYSPLASIA 9 WITHOUT POLYDACTYLY. Identifiers: Orphanet 140969, MedGen C1849437, MONDO:0009964, OMIM 266920.

Allele frequency attached by ClinVar (database versions not stated): TOPMed 0.00001.

Submission:

Labcorp Genetics (formerly Invitae), Labcorp
Classification: Pathogenic for Saldino-Mainzer syndrome. Last evaluated: 2025-04-17. Review status: criteria provided, single submitter. Criteria: Invitae Variant Classification Sherloc (09022015). Collection method: clinical testing. Allele origin: germline.
Comment: This sequence change creates a premature translational stop signal (p.Glu297*) in the IFT140 gene. It is expected to result in an absent or disrupted protein product. Loss-of-function variants in IFT140 are known to be pathogenic (PMID: 22503633, 23418020, 24009529, 26216056). This variant is not present in population databases (gnomAD no frequency). This variant has not been reported in the literature in individuals affected with IFT140-related conditions. ClinVar contains an entry for this variant (Variation ID: 1976558). For these reasons, this variant has been classified as Pathogenic.

Literature cited by the submitters: PubMed 22503633; PubMed 23418020; PubMed 24009529; PubMed 26216056.

NM_014714.4(IFT140):c.889G>T (p.Glu297Ter)

Genes: IFT140 (intraflagellar transport 140; minus strand), LOC105371046 (uncharacterized LOC105371046; plus strand). Cytogenetic location: 16p13.3.
Variant type: single nucleotide variant.
Coding change: c.889G>T on transcript NM_014714.4 (MANE Select); coding-DNA position 889, G replaced by T.
Protein change: p.Glu297Ter; replaces glutamic acid 297 with a stop codon.
Molecular consequence: nonsense.
Genome position (GRCh38, 1-based): chr16:1,587,946, C>A on the plus strand (G>T on the coding strand, the complement: IFT140 is on the minus strand). VCF-style: chr16-1587946-C-A. GRCh37 (hg19) VCF-style: chr16-1637947-C-A.
Other names: short protein forms E297*.
Identifiers: ClinVar variation 1976558 (VCV001976558.5), dbSNP rs1263308663, ClinGen allele CA394217469.